The following is an entry in ClinVar:

ClinVar aggregate classification (germline): Uncertain significance (1 of 4 stars; one submission).

Conditions:
Hereditary cancer-predisposing syndrome. Also called: Hereditary neoplastic syndrome; Neoplastic Syndromes, Hereditary; Tumor predisposition; Hereditary Cancer Syndrome. Identifiers: Orphanet 140162, MedGen C0027672, MeSH D009386, MONDO:0015356.
Cardiovascular phenotype. Identifiers: MedGen CN230736.

Submission:

Ambry Genetics
Classification: Uncertain significance for Cardiovascular phenotype; Hereditary cancer-predisposing syndrome. Last evaluated: 2025-02-16. Review status: criteria provided, single submitter. Criteria: Ambry Variant Classification Scheme 2023. Collection method: clinical testing. Allele origin: germline.
Comment: The p.G134E variant (also known as c.401G>A) is located in coding exon 5 of the LZTR1 gene. The glycine at codon 134 is replaced by glutamic acid, an amino acid with similar properties. This change occurs in the first base pair of coding exon 5. This amino acid position is conserved. In addition, this alteration is predicted to be deleterious by in silico analysis. Based on the available evidence, the clinical significance of this variant remains unclear.

NM_006767.4(LZTR1):c.401G>A (p.Gly134Glu)

Gene: LZTR1 (leucine zipper like post translational regulator 1; plus strand). Cytogenetic location: 22q11.21.
Variant type: single nucleotide variant.
Coding change: c.401G>A on transcript NM_006767.4 (MANE Select); coding-DNA position 401, G replaced by A.
Protein change: p.Gly134Glu; replaces glycine 134 with glutamic acid.
Molecular consequence: missense variant.
Genome position (GRCh38, 1-based): chr22:20,988,010, G>A. VCF-style: chr22-20988010-G-A. GRCh37 (hg19) VCF-style: chr22-21342299-G-A.
Other names: short protein forms G134E.
Identifiers: ClinVar variation 3869249 (VCV003869249.1).